The following is an entry in ClinVar:

ClinVar aggregate classification (germline): Likely benign. Review status: criteria provided, multiple submitters, no conflicts (2 of 4 stars). 2 submissions from 2 submitters: Likely benign (2). Last evaluated 2026-06-02.

Conditions:
Gastrointestinal stromal tumor. Also called: Gastrointestinal stroma tumor; Gastrointestinal stromal tumor, somatic. Identifiers: Orphanet 44890, MedGen C0238198, MeSH D046152, MONDO:0011719, OMIM 606764, HP:0100723.

Submissions (2):

Myriad Genetics, Inc.
Classification: Likely benign for Gastrointestinal stromal tumor. Last evaluated: 2026-06-02. Review status: criteria provided, single submitter. Criteria: Myriad Autosomal Dominant, Autosomal Recessive and X-Linked Classification Criteria (2023). Collection method: clinical testing. Allele origin: unknown.
Comment: This variant is considered likely benign. This variant is intronic and is not expected to impact mRNA splicing.

Labcorp Genetics (formerly Invitae), Labcorp
Classification: Likely benign for Gastrointestinal stromal tumor. Last evaluated: 2022-11-19. Review status: criteria provided, single submitter. Criteria: Invitae Variant Classification Sherloc (09022015). Collection method: clinical testing. Allele origin: germline.

NM_000222.3(KIT):c.2696+9C>T

Gene: KIT (KIT proto-oncogene, receptor tyrosine kinase; plus strand). Cytogenetic location: 4q12.
Variant type: single nucleotide variant.
Coding change: c.2696+9C>T on transcript NM_000222.3 (MANE Select); 9 bases into the intron after coding-DNA position 2696, C replaced by T.
Molecular consequence: intron variant.
Genome position (GRCh38, 1-based): chr4:54,736,829, C>T. VCF-style: chr4-54736829-C-T. GRCh37 (hg19) VCF-style: chr4-55602995-C-T.
Other names: c.2699+9C>T (NM_001385284.1); c.2696+9C>T (NM_001385290.1); c.2687+9C>T (NM_001385288.1); c.2684+9C>T (NM_001385292.1, NM_001093772.2); c.2693+9C>T (NM_001385285.1); c.2681+9C>T (NM_001385286.1).
Identifiers: ClinVar variation 1660564 (VCV001660564.9), dbSNP rs2109812814, ClinGen allele CA2573138303.